The following is an entry in ClinVar:

ClinVar aggregate classification (germline): Uncertain significance (1 of 4 stars; one submission).

Submission:

Labcorp Genetics (formerly Invitae), Labcorp
Classification: Uncertain significance. Last evaluated: 2023-09-19. Review status: criteria provided, single submitter. Criteria: Invitae Variant Classification Sherloc (09022015). Collection method: clinical testing. Allele origin: unknown.
Comment: This variant results in a copy number gain of the genomic region encompassing exon(s) 1-3 of the TNNI3K gene. This region includes the initiator codon of the gene. This copy number gain extends beyond the assayed region for this gene and therefore may encompass additional genes. As the precise location of this event is unknown, it may be in tandem or it may be located elsewhere in the genome. This variant has not been reported in the literature in individuals affected with TNNI3K-related conditions. In summary, the available evidence is currently insufficient to determine the role of this variant in disease. Therefore, it has been classified as a Variant of Uncertain Significance.

NC_000001.10:g.(?_74701136)_(74715248_?)dup

Genes: FPGT-TNNI3K (FPGT-TNNI3K readthrough; plus strand), TNNI3K (TNNI3 interacting kinase; plus strand). Cytogenetic location: 1p31.1.
Variant type: Duplication.
Identifiers: ClinVar variation 3247999 (VCV003247999.1).